The following is an entry in ClinVar:

NM_019066.5(MAGEL2):c.1450C>T (p.Pro484Ser)

Gene: MAGEL2 (MAGE family member L2; minus strand). Cytogenetic location: 15q11.2.
Variant type: single nucleotide variant.
Coding change: c.1450C>T on transcript NM_019066.5 (MANE Select); coding-DNA position 1450, C replaced by T.
Protein change: p.Pro484Ser; replaces proline 484 with serine.
Molecular consequence: missense variant.
Genome position (GRCh38, 1-based): chr15:23,646,293, G>A on the plus strand (C>T on the coding strand, the complement: MAGEL2 is on the minus strand). VCF-style: chr15-23646293-G-A. GRCh37 (hg19) VCF-style: chr15-23891440-G-A.
Other names: short protein forms P484S.
Identifiers: ClinVar variation 4744265 (VCV004744265.1).

ClinVar aggregate classification (germline): Uncertain significance (1 of 4 stars; one submission).

Submission:

Labcorp Genetics (formerly Invitae), Labcorp
Classification: Uncertain significance. Last evaluated: 2025-04-09. Review status: criteria provided, single submitter. Criteria: Invitae Variant Classification Sherloc (09022015). Collection method: clinical testing. Allele origin: germline.
Comment: This sequence change replaces proline, which is neutral and non-polar, with serine, which is neutral and polar, at codon 484 of the MAGEL2 protein (p.Pro484Ser). This variant is not present in population databases (gnomAD no frequency). This variant has not been reported in the literature in individuals affected with MAGEL2-related conditions. Experimental studies and prediction algorithms are not available or were not evaluated, and the functional significance of this variant is currently unknown. In summary, the available evidence is currently insufficient to determine the role of this variant in disease. Therefore, it has been classified as a Variant of Uncertain Significance.